The following is an entry in ClinVar:

NM_178229.5(IQGAP3):c.2304+1G>A

Gene: IQGAP3 (IQ motif containing GTPase activating protein 3; minus strand). Cytogenetic location: 1q22.
Variant type: single nucleotide variant.
Coding change: c.2304+1G>A on transcript NM_178229.5 (MANE Select); the canonical splice donor site of the intron after coding-DNA position 2304, G replaced by A.
Molecular consequence: splice donor variant.
Genome position (GRCh38, 1-based): chr1:156,548,072, C>T on the plus strand (G>A on the coding strand, the complement: IQGAP3 is on the minus strand). VCF-style: chr1-156548072-C-T. GRCh37 (hg19) VCF-style: chr1-156517864-C-T.
Identifiers: ClinVar variation 4885235 (VCV004885235.2).

ClinVar aggregate classification (germline): Uncertain significance (1 of 4 stars; one submission).

Submission:

Dasa
Classification: Uncertain significance. Last evaluated: 2025-08-14. Review status: criteria provided, single submitter. Criteria: DASA Assertion Criteria. Collection method: clinical testing. Allele origin: germline.
Comment: NM_178229.5(IQGAP3):c.2304+1G>A affects a canonical splice site and is predicted to disrupt normal RNA splicing. This variant is absent from population databases. The currently available literature and clinical evidence are not sufficient to establish a definitive association between this variant and the reported condition. Therefore, this variant is classified as a variant of uncertain significance.